The following is an entry in ClinVar:

NM_022089.4(ATP13A2):c.1772C>T (p.Ala591Val)

Gene: ATP13A2 (ATPase cation transporting 13A2; minus strand). Cytogenetic location: 1p36.13.
Variant type: single nucleotide variant.
Coding change: c.1772C>T on transcript NM_022089.4 (MANE Select); coding-DNA position 1772, C replaced by T.
Protein change: p.Ala591Val; replaces alanine 591 with valine.
Molecular consequence: missense variant.
Genome position (GRCh38, 1-based): chr1:16,992,559, G>A on the plus strand (C>T on the coding strand, the complement: ATP13A2 is on the minus strand). VCF-style: chr1-16992559-G-A. GRCh37 (hg19) VCF-style: chr1-17319054-G-A.
Other names: c.1757C>T, p.Ala586Val (NM_001141973.3, NM_001141974.3); short protein forms A591V, A586V.
Identifiers: ClinVar variation 1349838 (VCV001349838.6), dbSNP rs758957419, ClinGen allele CA637086.

ClinVar aggregate classification (germline): Uncertain significance (1 of 4 stars; one submission).

Conditions:
Kufor-Rakeb syndrome (KRS). Also called: PARKINSON DISEASE 9, AUTOSOMAL RECESSIVE, JUVENILE-ONSET. Identifiers: Orphanet 306674, Orphanet 314632, MedGen C1847640, MONDO:0011706, OMIM 606693.
Autosomal recessive spastic paraplegia type 78. Identifiers: Orphanet 513436, MedGen C5567893, MONDO:0014975, OMIM 617225.

Allele frequency attached by ClinVar (database versions not stated): gnomAD exomes below 0.00001; ExAC 0.00001.

Submission:

Labcorp Genetics (formerly Invitae), Labcorp
Classification: Uncertain significance for Kufor-Rakeb syndrome; Autosomal recessive spastic paraplegia type 78. Last evaluated: 2024-02-17. Review status: criteria provided, single submitter. Criteria: Invitae Variant Classification Sherloc (09022015). Collection method: clinical testing. Allele origin: germline.
Comment: This sequence change replaces alanine, which is neutral and non-polar, with valine, which is neutral and non-polar, at codon 591 of the ATP13A2 protein (p.Ala591Val). This variant is present in population databases (rs758957419, gnomAD 0.0009%). This variant has not been reported in the literature in individuals affected with ATP13A2-related conditions. ClinVar contains an entry for this variant (Variation ID: 1349838). Advanced modeling of protein sequence and biophysical properties (such as structural, functional, and spatial information, amino acid conservation, physicochemical variation, residue mobility, and thermodynamic stability) performed at Invitae indicates that this missense variant is not expected to disrupt ATP13A2 protein function with a negative predictive value of 80%. In summary, the available evidence is currently insufficient to determine the role of this variant in disease. Therefore, it has been classified as a Variant of Uncertain Significance.